The following is an entry in ClinVar:

NM_173628.4(DNAH17):c.441T>C (p.Asn147=)

Gene: DNAH17 (dynein axonemal heavy chain 17; minus strand). Cytogenetic location: 17q25.3.
Variant type: single nucleotide variant.
Coding change: c.441T>C on transcript NM_173628.4 (MANE Select); coding-DNA position 441, T replaced by C.
Protein change: p.Asn147=; no amino-acid change (asparagine 147 retained).
Molecular consequence: synonymous variant.
Genome position (GRCh38, 1-based): chr17:78,572,799, A>G on the plus strand (T>C on the coding strand, the complement: DNAH17 is on the minus strand). VCF-style: chr17-78572799-A-G. GRCh37 (hg19) VCF-style: chr17-76568881-A-G.
Identifiers: ClinVar variation 3055275 (VCV003055275.2), dbSNP rs72920975, ClinGen allele CA8805644.

ClinVar aggregate classification (germline): Benign (0 of 4 stars; one submission).

Conditions:
DNAH17-related disorder. Also called: DNAH17-related condition.

Allele frequency attached by ClinVar (database versions not stated): gnomAD 0.00772; TOPMed 0.00805; ESP Exome Variant Server 0.00882; 1000 Genomes Project 0.00899; 1000 Genomes Project 30x 0.00906; ExAC 0.00920; gnomAD exomes 0.01139.

Submission:

PreventionGenetics, part of Exact Sciences
Classification: Benign for DNAH17-related condition. Last evaluated: 2019-02-19. Review status: no assertion criteria provided. Collection method: clinical testing. Allele origin: germline.
Comment: This variant is classified as benign based on ACMG/AMP sequence variant interpretation guidelines (Richards et al. 2015 PMID: 25741868, with internal and published modifications).